The following is an entry in ClinVar:

ClinVar aggregate classification (germline): Uncertain significance (1 of 4 stars; one submission).

Conditions:
Rienhoff syndrome. Also called: LOEYS-DIETZ SYNDROME 5. Identifiers: MedGen C3810012, MONDO:0014262, OMIM 615582.

Submission:

Labcorp Genetics (formerly Invitae), Labcorp
Classification: Uncertain significance for Rienhoff syndrome. Last evaluated: 2022-10-25. Review status: criteria provided, single submitter. Criteria: Invitae Variant Classification Sherloc (09022015). Collection method: clinical testing. Allele origin: germline.
Comment: In summary, the available evidence is currently insufficient to determine the role of this variant in disease. Therefore, it has been classified as a Variant of Uncertain Significance. Advanced modeling of protein sequence and biophysical properties (such as structural, functional, and spatial information, amino acid conservation, physicochemical variation, residue mobility, and thermodynamic stability) performed at Invitae indicates that this missense variant is not expected to disrupt TGFB3 protein function. This variant has not been reported in the literature in individuals affected with TGFB3-related conditions. This variant is not present in population databases (gnomAD no frequency). This sequence change replaces threonine, which is neutral and polar, with arginine, which is basic and polar, at codon 60 of the TGFB3 protein (p.Thr60Arg).

NM_003239.5(TGFB3):c.179C>G (p.Thr60Arg)

Gene: TGFB3 (transforming growth factor beta 3; minus strand). Cytogenetic location: 14q24.3.
Variant type: single nucleotide variant.
Coding change: c.179C>G on transcript NM_003239.5 (MANE Select); coding-DNA position 179, C replaced by G.
Protein change: p.Thr60Arg; replaces threonine 60 with arginine.
Molecular consequence: missense variant.
Genome position (GRCh38, 1-based): chr14:75,980,715, G>C on the plus strand (C>G on the coding strand, the complement: TGFB3 is on the minus strand). VCF-style: chr14-75980715-G-C. GRCh37 (hg19) VCF-style: chr14-76447058-G-C.
Other names: c.179C>G, p.Thr60Arg (NM_001329938.2, NM_001329939.2); short protein forms T60R.
Identifiers: ClinVar variation 1965047 (VCV001965047.5), dbSNP rs4252315, ClinGen allele CA390471486.